The following is an entry in ClinVar:

ClinVar aggregate classification (germline): Benign/Likely benign. Review status: criteria provided, multiple submitters, no conflicts (2 of 4 stars). 3 submissions from 3 submitters: Benign (2); Likely benign (1). Last evaluated 2026-07-01.

Allele frequency attached by ClinVar (database versions not stated): ExAC 0.00612; TOPMed 0.00174; ESP Exome Variant Server 0.00187; 1000 Genomes Project 0.00220; 1000 Genomes Project 30x 0.00250; gnomAD exomes 0.00343 and 0.00406; gnomAD 0.00381 and 0.00383.
gnomAD v4.1: 5,234 of 1,511,660 alleles (0.35%); highest among the groups gnomAD compares: South Asian, 0.76%; 29 homozygotes.

Submissions (3):

CeGaT Center for Human Genetics Tuebingen
Classification: Likely benign. Last evaluated: 2026-07-01. Review status: criteria provided, single submitter. Criteria: CeGaT Center For Human Genetics Tuebingen Variant Classification Criteria Version 2. Collection method: clinical testing. Allele origin: germline. Affected: yes. Observed: 1 variant allele.
Comment: TONSL: BP4, BP7, BS2

Labcorp Genetics (formerly Invitae), Labcorp
Classification: Benign. Last evaluated: 2026-02-01. Review status: criteria provided, single submitter. Criteria: Invitae Variant Classification Sherloc (09022015). Collection method: clinical testing. Allele origin: germline.

Breakthrough Genomics
Classification: Benign. Review status: criteria provided, single submitter. Criteria: ACMG Guidelines, 2015. Collection method: not provided. Allele origin: germline. Inheritance: Autosomal recessive inheritance. Affected: yes.

NM_013432.5(TONSL):c.2853-12C>T

Genes: TONSL (tonsoku like, DNA repair protein; minus strand), TONSL-AS1 (TONSL antisense RNA 1; plus strand). Cytogenetic location: 8q24.3.
Variant type: single nucleotide variant.
Coding change: c.2853-12C>T on transcript NM_013432.5 (MANE Select); 12 bases into the intron before coding-DNA position 2853, C replaced by T.
Molecular consequence: intron variant. On other transcripts: non-coding transcript variant (1).
Genome position (GRCh38, 1-based): chr8:144,435,182, G>A on the plus strand (C>T on the coding strand, the complement: TONSL is on the minus strand). VCF-style: chr8-144435182-G-A. GRCh37 (hg19) VCF-style: chr8-145660565-G-A.
Identifiers: ClinVar variation 1167165 (VCV001167165.9), dbSNP rs149407728, ClinGen allele CA4942685.